The following is an entry in ClinVar:

ClinVar aggregate classification (germline): Uncertain significance (1 of 4 stars; one submission).

gnomAD v4.1: 1 of 553,862 alleles (0.00018%); highest among the groups gnomAD compares: African/African-American, 0.0022%; no homozygotes.

Submission:

Labcorp Genetics (formerly Invitae), Labcorp
Classification: Uncertain significance. Last evaluated: 2021-11-11. Review status: criteria provided, single submitter. Criteria: Invitae Variant Classification Sherloc (09022015). Collection method: clinical testing. Allele origin: germline.
Comment: This sequence change falls in intron 56 of the CDH23 gene. It does not directly change the encoded amino acid sequence of the CDH23 protein. This variant is not present in population databases (gnomAD no frequency). This variant has not been reported in the literature in individuals affected with CDH23-related conditions. Algorithms developed to predict the effect of sequence changes on RNA splicing suggest that this variant may create or strengthen a splice site. In summary, the available evidence is currently insufficient to determine the role of this variant in disease. Therefore, it has been classified as a Variant of Uncertain Significance.

NM_022124.6(CDH23):c.8064+8C>T

Genes: CDH23 (cadherin related 23; plus strand), LOC111982869 (Sharpr-MPRA regulatory region 2121; plus strand). Cytogenetic location: 10q22.1.
Variant type: single nucleotide variant.
Coding change: c.8064+8C>T on transcript NM_022124.6 (MANE Select); 8 bases into the intron after coding-DNA position 8064, C replaced by T.
Molecular consequence: intron variant.
Genome position (GRCh38, 1-based): chr10:71,806,005, C>T. VCF-style: chr10-71806005-C-T. GRCh37 (hg19) VCF-style: chr10-73565762-C-T.
Other names: c.1344+8C>T (NM_001171933.1, NM_001171934.1).
Identifiers: ClinVar variation 1472826 (VCV001472826.3), dbSNP rs1410164359, ClinGen allele CA594706006.